The following is an entry in ClinVar:

ClinVar aggregate classification (germline): Conflicting classifications of pathogenicity. Review status: criteria provided, conflicting classifications (1 of 4 stars). 3 submissions from 3 submitters: Uncertain significance (2); Likely benign (1). Last evaluated 2025-11-15.

Conditions:
Hereditary cancer-predisposing syndrome. Also called: Neoplastic Syndromes, Hereditary; Tumor predisposition; Hereditary Cancer Syndrome; Hereditary neoplastic syndrome. Identifiers: Orphanet 140162, MedGen C0027672, MeSH D009386, MONDO:0015356.
Hereditary nonpolyposis colorectal neoplasms. Identifiers: MedGen C0009405, MeSH D003123.

Allele frequency attached by ClinVar (database versions not stated): gnomAD exomes below 0.00001; ExAC 0.00001.
gnomAD v4.1: 3 of 1,609,938 alleles (0.00019%); highest among the groups gnomAD compares: South Asian, 0.0011%; no homozygotes.

Submissions (3):

Ambry Genetics
Classification: Uncertain significance for Hereditary cancer-predisposing syndrome. Last evaluated: 2025-11-15. Review status: criteria provided, single submitter. Criteria: Ambry Variant Classification Scheme 2023. Collection method: clinical testing. Allele origin: germline.
Comment: The p.L1330R variant (also known as c.3989T>G), located in coding exon 9 of the MSH6 gene, results from a T to G substitution at nucleotide position 3989. The leucine at codon 1330 is replaced by arginine, an amino acid with dissimilar properties. This amino acid position is highly conserved in available vertebrate species. In addition, this alteration is predicted to be deleterious by in silico analysis. In addition, the CoDP in silico tool predicts this alteration to have minor impact on molecular function, with a score of 0.362 (Terui H et al. J. Biomed. Sci. 2013 Apr;20:25). Since supporting evidence is limited at this time, the clinical significance of this alteration remains unclear.

Labcorp Genetics (formerly Invitae), Labcorp
Classification: Likely benign for Hereditary nonpolyposis colorectal neoplasms. Last evaluated: 2023-04-06. Review status: criteria provided, single submitter. Criteria: Invitae Variant Classification Sherloc (09022015). Collection method: clinical testing. Allele origin: germline.

GeneDx
Classification: Uncertain significance. Last evaluated: 2019-08-20. Review status: criteria provided, single submitter. Criteria: GeneDx Variant Classification Process June 2021. Collection method: clinical testing. Allele origin: germline. Affected: yes.
Comment: Not observed at a significant frequency in large population cohorts (Lek et al., 2016); In silico analysis, which includes protein predictors and evolutionary conservation, supports that this variant does not alter protein structure/function; Has not been previously published as pathogenic or benign to our knowledge

NM_000179.3(MSH6):c.3989T>G (p.Leu1330Arg)

Gene: MSH6 (mutS homolog 6; plus strand). Cytogenetic location: 2p16.3.
Variant type: single nucleotide variant.
Coding change: c.3989T>G on transcript NM_000179.3 (MANE Select); coding-DNA position 3989, T replaced by G.
Protein change: p.Leu1330Arg; replaces leucine 1330 with arginine.
Molecular consequence: missense variant.
Genome position (GRCh38, 1-based): chr2:47,806,639, T>G. VCF-style: chr2-47806639-T-G. GRCh37 (hg19) VCF-style: chr2-48033778-T-G.
Other names: c.3599T>G, p.Leu1200Arg (NM_001281492.2); c.3083T>G, p.Leu1028Arg (NM_001281493.2, NM_001281494.2); short protein forms L1330R, L1028R, L1200R.
Identifiers: ClinVar variation 483854 (VCV000483854.21), dbSNP rs774395829, ClinGen allele CA072450.